The following is an entry in ClinVar:

ClinVar aggregate classification (germline): Uncertain significance (1 of 4 stars; one submission).

Allele frequency attached by ClinVar (database versions not stated): TOPMed below 0.00001.

Submission:

Labcorp Genetics (formerly Invitae), Labcorp
Classification: Uncertain significance. Last evaluated: 2022-07-26. Review status: criteria provided, single submitter. Criteria: Invitae Variant Classification Sherloc (09022015). Collection method: clinical testing. Allele origin: germline.
Comment: This variant is not present in population databases (gnomAD no frequency). In summary, the available evidence is currently insufficient to determine the role of this variant in disease. Therefore, it has been classified as a Variant of Uncertain Significance. Algorithms developed to predict the effect of sequence changes on RNA splicing suggest that this variant may create or strengthen a splice site. Algorithms developed to predict the effect of missense changes on protein structure and function (SIFT, PolyPhen-2, Align-GVGD) all suggest that this variant is likely to be disruptive. ClinVar contains an entry for this variant (Variation ID: 1680844). This variant has not been reported in the literature in individuals affected with DFNA5-related conditions. This sequence change replaces glycine, which is neutral and non-polar, with arginine, which is basic and polar, at codon 116 of the DFNA5 protein (p.Gly116Arg).

NM_001127453.2(GSDME):c.346G>A (p.Gly116Arg)

Gene: GSDME (gasdermin E; minus strand). Cytogenetic location: 7p15.3.
Variant type: single nucleotide variant.
Coding change: c.346G>A on transcript NM_001127453.2 (MANE Select); coding-DNA position 346, G replaced by A.
Protein change: p.Gly116Arg; replaces glycine 116 with arginine.
Molecular consequence: missense variant. On other transcripts: 5 prime UTR variant (1).
Genome position (GRCh38, 1-based): chr7:24,744,620, C>T on the plus strand (G>A on the coding strand, the complement: GSDME is on the minus strand). VCF-style: chr7-24744620-C-T. GRCh37 (hg19) VCF-style: chr7-24784239-C-T.
Other names: c.-147G>A (NM_001127454.2); c.346G>A, p.Gly116Arg (NM_004403.3); short protein forms G116R.
Identifiers: ClinVar variation 1680844 (VCV001680844.8), dbSNP rs923624954, ClinGen allele CA155362778.